The following is an entry in ClinVar:

NM_006312.6(NCOR2):c.4263G>A (p.Ala1421=)

Gene: NCOR2 (nuclear receptor corepressor 2; minus strand). Cytogenetic location: 12q24.31.
Variant type: single nucleotide variant.
Coding change: c.4263G>A on transcript NM_006312.6 (MANE Select); coding-DNA position 4263, G replaced by A.
Protein change: p.Ala1421=; no amino-acid change (alanine 1421 retained).
Molecular consequence: synonymous variant.
Genome position (GRCh38, 1-based): chr12:124,346,660, C>T on the plus strand (G>A on the coding strand, the complement: NCOR2 is on the minus strand). VCF-style: chr12-124346660-C-T. GRCh37 (hg19) VCF-style: chr12-124831206-C-T.
Other names: c.4233G>A, p.Ala1411= (NM_001077261.4, NM_001206654.2).
Identifiers: ClinVar variation 2643556 (VCV002643556.24), dbSNP rs778286154, ClinGen allele CA6868327.
Genomic context (GRCh38, chr12:124,346,660, plus strand): 5'-CAGGGGCAGCTCGGGCGTGTGCCGCAGCTCCTCGCGCGGGATCTCATGGATGGAGCGGCC[C>T]GCCTCCTTCACCGTGGCCACCAGGCCCTCATGGGCCGGCTTCAGCTTCAGGGGGCCCAGG-3'
Protein context (NP_006303.4, residues 1411-1431): HEGLVATVKE[Ala1421=]GRSIHEIPRE

ClinVar aggregate classification (germline): Likely benign (1 of 4 stars; one submission).

Allele frequency attached by ClinVar (database versions not stated): gnomAD 0.00007; TOPMed 0.00009; ExAC 0.00020.
gnomAD v4.1: 162 of 1,585,284 alleles (0.01%); highest among the groups gnomAD compares: Middle Eastern, 0.017%; no homozygotes.

Submission:

CeGaT Center for Human Genetics Tuebingen
Classification: Likely benign. Last evaluated: 2023-03-01. Review status: criteria provided, single submitter. Criteria: CeGaT Center For Human Genetics Tuebingen Variant Classification Criteria Version 2. Collection method: clinical testing. Allele origin: germline. Affected: yes. Observed: 1 variant allele.
Comment: NCOR2: BP4, BP7